The following is an entry in ClinVar:

ClinVar aggregate classification (germline): Likely benign. Review status: criteria provided, multiple submitters, no conflicts (2 of 4 stars). 2 submissions from 2 submitters: Likely benign (2). Last evaluated 2026-09-22.

Conditions:
NR2E3-related disorder. Also called: NR2E3-related condition; NR2E3-related disorders. Identifiers: MedGen CN239387.

Allele frequency attached by ClinVar (database versions not stated): TOPMed 0.00001; gnomAD exomes 0.00002; ExAC 0.00004.
gnomAD v4.1: 29 of 1,612,724 alleles (0.0018%); highest among the groups gnomAD compares: Middle Eastern, 0.049%; no homozygotes.

Submissions (2):

PreventionGenetics, part of Exact Sciences
Classification: Likely benign for NR2E3-related condition. Last evaluated: 2026-09-22. Review status: criteria provided, single submitter. Criteria: ACMG Guidelines, 2015. Collection method: clinical testing. Allele origin: germline.
Comment: This variant is classified as likely benign based on ACMG/AMP sequence variant interpretation guidelines (Richards et al. 2015 PMID: 25741868, with internal and published modifications).

Labcorp Genetics (formerly Invitae), Labcorp
Classification: Likely benign. Last evaluated: 2024-10-28. Review status: criteria provided, single submitter. Criteria: Invitae Variant Classification Sherloc (09022015). Collection method: clinical testing. Allele origin: germline.

NM_014249.4(NR2E3):c.1023C>T (p.His341=)

Gene: NR2E3 (nuclear receptor subfamily 2 group E member 3; plus strand). Cytogenetic location: 15q23.
Variant type: single nucleotide variant.
Coding change: c.1023C>T on transcript NM_014249.4 (MANE Select); coding-DNA position 1023, C replaced by T.
Protein change: p.His341=; no amino-acid change (histidine 341 retained).
Molecular consequence: synonymous variant.
Genome position (GRCh38, 1-based): chr15:71,814,040, C>T. VCF-style: chr15-71814040-C-T. GRCh37 (hg19) VCF-style: chr15-72106381-C-T.
Other names: c.1023C>T (NM_014249.3); c.1023C>T, p.His341= (NM_016346.4).
Identifiers: ClinVar variation 1155658 (VCV001155658.10), dbSNP rs200402349, ClinGen allele CA7640479.